The following is an entry in ClinVar:

NM_001256789.3(CACNA1F):c.1276+34G>A

Gene: CACNA1F (calcium voltage-gated channel subunit alpha1 F; minus strand). Cytogenetic location: Xp11.23.
Variant type: single nucleotide variant.
Coding change: c.1276+34G>A on transcript NM_001256789.3 (MANE Select); 34 bases into the intron after coding-DNA position 1276, G replaced by A.
Molecular consequence: intron variant. On other transcripts: splice donor variant (2).
Genome position (GRCh38, 1-based): chrX:49,226,936, C>T on the plus strand (G>A on the coding strand, the complement: CACNA1F is on the minus strand). VCF-style: chrX-49226936-C-T. GRCh37 (hg19) VCF-style: chrX-49083398-C-T.
Other names: c.1309+1G>A (NM_005183.4); c.1114+1G>A (NM_001256790.3).
Identifiers: ClinVar variation 812250 (VCV000812250.5), dbSNP rs782575860, ClinGen allele CA10410916.
Genomic context (GRCh38, chrX:49,226,936, plus strand): 5'-TCTCAGGAGGGCAGACCACATCTAAGGCATGCAGGGAATGGGCCAGATTGGAGTTGCCTA[C>T]GATGGCCCGCCCGGCCCTCTTCAGCCATAGAACCAAGGTTGTCATCGGCGGAGGGGTCCT-3'

ClinVar aggregate classification (germline): Uncertain significance. Review status: criteria provided, multiple submitters, no conflicts (2 of 4 stars). 3 submissions from 3 submitters: Uncertain significance (2). 1 of the submissions does not count toward it. Last evaluated 2025-08-07.

Conditions:
Congenital stationary night blindness 2A (CSNB2A). Also called: Night blindness, congenital stationary (incomplete), 2A, X-linked; CSNB, INCOMPLETE, X-LINKED; NIGHT BLINDNESS, CONGENITAL STATIONARY, TYPE 2; CACNA1F-Related X-Linked Congenital Stationary Night Blindness. Identifiers: Orphanet 215, MedGen C1848172, MONDO:0010241, OMIM 300071.
Aland island eye disease (AIED). Also called: Forsius Eriksson type ocular albinism. Identifiers: Orphanet 178333, MedGen C0268505, MONDO:0010371, OMIM 300600.
X-linked cone-rod dystrophy 3 (CORDX3). Identifiers: Orphanet 1872, MedGen C1845407, MONDO:0010335, OMIM 300476.
Cone-rod dystrophy. Also called: Cone-rod degeneration; Cone/cone-rod dystrophy. Identifiers: Orphanet 1872, MedGen C4085590, MONDO:0015993, HP:0000548.

Allele frequency attached by ClinVar (database versions not stated): gnomAD 0.00002; ExAC 0.00003; TOPMed 0.00003; gnomAD exomes 0.00004.
gnomAD v4.1: 45 of 1,209,223 alleles (0.0037%); highest among the groups gnomAD compares: Middle Eastern, 0.023%; no homozygotes.

Submissions (3):

Mendelics
Classification: Uncertain significance for Congenital stationary night blindness 2A. Last evaluated: 2025-08-07. Review status: criteria provided, single submitter. Criteria: Mendelics Assertion Criteria 2019. Collection method: clinical testing. Allele origin: germline.
Comment: NM_001256789.3(CACNA1F):c.1276+34G>A is a low frequency variant (GnomAD v 4.1.0 AF 0.00003721 currently with 13 hemizygotes). Also, recent internal cases carry this variant for different phenotypes. Interpretation adjusted to VUS.

Department of Pathology and Laboratory Medicine, Sinai Health System
Classification: Uncertain significance for Aland island eye disease; X-linked cone-rod dystrophy 3; Congenital stationary night blindness 2A. Last evaluated: 2022-08-17. Review status: criteria provided, single submitter. Criteria: ACMG Guidelines, 2015. Collection method: research. Allele origin: germline.

Sharon lab, Hadassah-Hebrew University Medical Center
Classification: Pathogenic for Cone-rod degeneration. Last evaluated: 2019-06-23. Review status: no assertion criteria provided. Collection method: research. Allele origin: inherited. Affected: yes. Not counted in ClinVar's aggregate classification.